The following is an entry in ClinVar:

NM_014915.3(ANKRD26):c.1193A>C (p.Lys398Thr)

Gene: ANKRD26 (ankyrin repeat domain 26; minus strand). Cytogenetic location: 10p12.1.
Variant type: single nucleotide variant.
Coding change: c.1193A>C on transcript NM_014915.3 (MANE Select); coding-DNA position 1193, A replaced by C.
Protein change: p.Lys398Thr; replaces lysine 398 with threonine.
Molecular consequence: missense variant.
Genome position (GRCh38, 1-based): chr10:27,067,171, T>G on the plus strand (A>C on the coding strand, the complement: ANKRD26 is on the minus strand). VCF-style: chr10-27067171-T-G. GRCh37 (hg19) VCF-style: chr10-27356100-T-G.
Other names: c.1193A>C, p.Lys398Thr (NM_001256053.2); short protein forms K398T.
Identifiers: ClinVar variation 3644380 (VCV003644380.3).
Genomic context (GRCh38, chr10:27,067,171, plus strand): 5'-TAGAACTTAAGGATAGAAAAATATTCAGAGATATCCACTAACTTACCACTTCTATTATTT[T>G]TGTGCACTTCATCAACATAAGTCAAATTGTCATTATTTGTTTGCTCTAGTGGAGCACTTT-3'
Protein context (NP_055730.2, residues 388-408): DNLTYVDEVH[Lys398Thr]NNRSDMMSAL

ClinVar aggregate classification (germline): Uncertain significance. Review status: criteria provided, multiple submitters, no conflicts (2 of 4 stars). 2 submissions from 2 submitters: Uncertain significance (2). Last evaluated 2025-06-21.

Conditions:
Inborn genetic diseases. Identifiers: MedGen C0950123, MeSH D030342.

Submissions (2):

Ambry Genetics
Classification: Uncertain significance for Inborn genetic diseases. Last evaluated: 2025-06-21. Review status: criteria provided, single submitter. Criteria: Ambry Variant Classification Scheme 2023. Collection method: clinical testing. Allele origin: germline.
Comment: The p.K398T variant (also known as c.1193A>C), located in coding exon 10 of the ANKRD26 gene, results from an A to C substitution at nucleotide position 1193. The lysine at codon 398 is replaced by threonine, an amino acid with similar properties. This amino acid position is conserved. In addition, this alteration is predicted to be tolerated by in silico analysis. Based on the available evidence, the clinical significance of this variant remains unclear.

Labcorp Genetics (formerly Invitae), Labcorp
Classification: Uncertain significance. Last evaluated: 2024-03-10. Review status: criteria provided, single submitter. Criteria: Invitae Variant Classification Sherloc (09022015). Collection method: clinical testing. Allele origin: germline.
Comment: This sequence change replaces lysine, which is basic and polar, with threonine, which is neutral and polar, at codon 398 of the ANKRD26 protein (p.Lys398Thr). This variant is not present in population databases (gnomAD no frequency). This variant has not been reported in the literature in individuals affected with ANKRD26-related conditions. An algorithm developed to predict the effect of missense changes on protein structure and function (PolyPhen-2) suggests that this variant is likely to be tolerated. In summary, the available evidence is currently insufficient to determine the role of this variant in disease. Therefore, it has been classified as a Variant of Uncertain Significance.